The following is an entry in ClinVar:

NM_000245.4(MET):c.1200G>A (p.Arg400=)

Gene: MET (MET proto-oncogene, receptor tyrosine kinase; plus strand). Cytogenetic location: 7q31.2.
Variant type: single nucleotide variant.
Coding change: c.1200G>A on transcript NM_000245.4 (MANE Select); coding-DNA position 1200, G replaced by A.
Protein change: p.Arg400=; no amino-acid change (arginine 400 retained).
Molecular consequence: synonymous variant. On other transcripts: intron variant (1).
Genome position (GRCh38, 1-based): chr7:116,700,284, G>A. VCF-style: chr7-116700284-G-A. GRCh37 (hg19) VCF-style: chr7-116340338-G-A.
Other names: c.1200G>A, p.Arg400= (NM_001127500.3, NM_001324401.3); c.-91+27707G>A (NM_001324402.2).
Identifiers: ClinVar variation 485774 (VCV000485774.8), dbSNP rs1554379254, ClinGen allele CA457448175.
Genomic context (GRCh38, chr7:116,700,284, plus strand): 5'-AAACAATGTGAGATGTCTCCAGCATTTTTACGGACCCAATCATGAGCACTGCTTTAATAG[G>A]GTAAGTCACATCAGTTCCCCACTTATAAACTGTGAGGTATAAATTAGAAATAAGTATCAG-3'
Protein context (NP_000236.2, residues 390-410): YGPNHEHCFN[Arg400=]TLLRNSSGCE

ClinVar aggregate classification (germline): Uncertain significance. Review status: criteria provided, multiple submitters, no conflicts (2 of 4 stars). 2 submissions from 2 submitters: Uncertain significance (2). Last evaluated 2025-07-21.

Conditions:
Renal cell carcinoma. Identifiers: Orphanet 217071, MedGen C0007134, MeSH D002292, MONDO:0005086, HP:0005584.
Hereditary cancer-predisposing syndrome. Also called: Tumor predisposition; Hereditary Cancer Syndrome; Hereditary neoplastic syndrome; Neoplastic Syndromes, Hereditary. Identifiers: Orphanet 140162, MedGen C0027672, MeSH D009386, MONDO:0015356.

Submissions (2):

Ambry Genetics
Classification: Uncertain significance for Hereditary cancer-predisposing syndrome. Last evaluated: 2025-07-21. Review status: criteria provided, single submitter. Criteria: Ambry Variant Classification Scheme 2023. Collection method: clinical testing. Allele origin: germline.
Comment: The c.1200G>A variant (also known as p.R400R), located in coding exon 1 of the MET gene, results from a G to A substitution at nucleotide position 1200. This nucleotide substitution does not change the amino acid at codon 400. However, this change occurs in the last base pair of coding exon 1, which makes it likely to have some effect on normal mRNA splicing. This nucleotide position is highly conserved in available vertebrate species. In silico splice site analysis predicts that this alteration will not have any significant effect on splicing. Based on the available evidence, the clinical significance of this variant remains unclear.

Labcorp Genetics (formerly Invitae), Labcorp
Classification: Uncertain significance for Renal cell carcinoma. Last evaluated: 2024-07-30. Review status: criteria provided, single submitter. Criteria: Invitae Variant Classification Sherloc (09022015). Collection method: clinical testing. Allele origin: germline.
Comment: This sequence change affects codon 400 of the MET mRNA. It is a 'silent' change, meaning that it does not change the encoded amino acid sequence of the MET protein. This variant also falls at the last nucleotide of exon 2, which is part of the consensus splice site for this exon. This variant is not present in population databases (gnomAD no frequency). This variant has not been reported in the literature in individuals affected with MET-related conditions. ClinVar contains an entry for this variant (Variation ID: 485774). Variants that disrupt the consensus splice site are a relatively common cause of aberrant splicing (PMID: 17576681, 9536098). Algorithms developed to predict the effect of sequence changes on RNA splicing suggest that this variant is not likely to affect RNA splicing. In summary, the available evidence is currently insufficient to determine the role of this variant in disease. Therefore, it has been classified as a Variant of Uncertain Significance.

Literature cited by the submitters: PubMed 17576681 (cited by Labcorp Genetics (formerly Invitae), Labcorp); PubMed 9536098 (cited by Labcorp Genetics (formerly Invitae), Labcorp).